The following is an entry in ClinVar:

ClinVar aggregate classification (germline): Uncertain significance (1 of 4 stars; one submission).

Conditions:
Myopathy, proximal, and ophthalmoplegia (CMYO6). Also called: CONGENITAL MYOPATHY 6 WITH OPHTHALMOPLEGIA; INCLUSION BODY MYOPATHY 3, AUTOSOMAL DOMINANT; MYOPATHY WITH CONGENITAL JOINT CONTRACTURES, OPHTHALMOPLEGIA, AND RIMMED VACUOLES. Identifiers: Orphanet 363677, Orphanet 79091, MedGen C1854106, MONDO:0011577, OMIM 605637.

gnomAD v4.1: 2 of 1,614,102 alleles (0.00012%); highest among the groups gnomAD compares: African/African-American, 0.0013%; no homozygotes.

Submission:

Labcorp Genetics (formerly Invitae), Labcorp
Classification: Uncertain significance for Myopathy, proximal, and ophthalmoplegia. Last evaluated: 2024-10-26. Review status: criteria provided, single submitter. Criteria: Invitae Variant Classification Sherloc (09022015). Collection method: clinical testing. Allele origin: germline.
Comment: This sequence change falls in intron 38 of the MYH2 gene. It does not directly change the encoded amino acid sequence of the MYH2 protein. It affects a nucleotide within the consensus splice site. This variant is present in population databases (rs748040937, gnomAD 0.0009%). This variant has not been reported in the literature in individuals affected with MYH2-related conditions. Variants that disrupt the consensus splice site are a relatively common cause of aberrant splicing (PMID: 17576681, 9536098). Algorithms developed to predict the effect of sequence changes on RNA splicing suggest that this variant may disrupt the consensus splice site. In summary, the available evidence is currently insufficient to determine the role of this variant in disease. Therefore, it has been classified as a Variant of Uncertain Significance.

Literature cited by the submitters: PubMed 17576681; PubMed 9536098.

NM_017534.6(MYH2):c.5577+3A>G

Genes: MYH2 (myosin heavy chain 2; minus strand), MYHAS (myosin heavy chain gene cluster antisense RNA; plus strand). Cytogenetic location: 17p13.1.
Variant type: single nucleotide variant.
Coding change: c.5577+3A>G on transcript NM_017534.6 (MANE Select); 3 bases into the intron after coding-DNA position 5577, A replaced by G.
Molecular consequence: intron variant.
Genome position (GRCh38, 1-based): chr17:10,523,305, T>C on the plus strand (A>G on the coding strand, the complement: MYH2 is on the minus strand). VCF-style: chr17-10523305-T-C. GRCh37 (hg19) VCF-style: chr17-10426622-T-C.
Other names: c.5577+3A>G (NM_001100112.2).
Identifiers: ClinVar variation 3723812 (VCV003723812.2).